The following is an entry in ClinVar:

ClinVar aggregate classification (germline): Uncertain significance (0 of 4 stars; one submission).

Conditions:
KSR2-related disorder. Also called: KSR2-related condition.

gnomAD v4.1: 4 of 1,609,104 alleles (0.00025%); highest among the groups gnomAD compares: African/African-American, 0.0027%; no homozygotes.

Submission:

PreventionGenetics, part of Exact Sciences
Classification: Uncertain significance for KSR2-related condition. Last evaluated: 2024-03-11. Review status: no assertion criteria provided. Collection method: clinical testing. Allele origin: germline.
Comment: The KSR2 c.494A>G variant is predicted to result in the amino acid substitution p.His165Arg. To our knowledge, this variant has not been reported in the literature. This variant is reported in 0.0053% of alleles in individuals of East Asian descent in gnomAD. At this time, the clinical significance of this variant is uncertain due to the absence of conclusive functional and genetic evidence.

NM_173598.6(KSR2):c.581A>G (p.His194Arg)

Gene: KSR2 (kinase suppressor of ras 2; minus strand). Cytogenetic location: 12q24.23.
Variant type: single nucleotide variant.
Coding change: c.581A>G on transcript NM_173598.6 (MANE Select); coding-DNA position 581, A replaced by G.
Protein change: p.His194Arg; replaces histidine 194 with arginine.
Molecular consequence: missense variant.
Genome position (GRCh38, 1-based): chr12:117,761,416, T>C on the plus strand (A>G on the coding strand, the complement: KSR2 is on the minus strand). VCF-style: chr12-117761416-T-C. GRCh37 (hg19) VCF-style: chr12-118199221-T-C.
Other names: short protein forms H194R.
Identifiers: ClinVar variation 3353193 (VCV003353193.1).